The following is an entry in ClinVar:

ClinVar aggregate classification (germline): Uncertain significance (1 of 4 stars; one submission).

Conditions:
Autosomal dominant nonsyndromic hearing loss 65. Also called: Deafness, autosomal dominant 65; TBC1D24-Related Autosomal Dominant Nonsyndromic Hearing Loss (DFNA). Identifiers: Orphanet 90635, MedGen C3892048, MONDO:0014470, OMIM 616044.
Developmental and epileptic encephalopathy, 1 (DEE1). Also called: INFANTILE SPASM SYNDROME, X-LINKED 1; X-linked infantile spasms; West's syndrome; Tonic spasms with clustering, arrest of psychomotor development and hypsarrhythmia on EEG; X-Linked Infantile Spasm Syndrome; OHTAHARA SYNDROME, X-LINKED. Identifiers: MedGen C3463992, MONDO:0010632, OMIM 308350. Disease mechanism: loss of function.

Submission:

Labcorp Genetics (formerly Invitae), Labcorp
Classification: Uncertain significance for Developmental and epileptic encephalopathy, 1; Autosomal dominant nonsyndromic hearing loss 65. Last evaluated: 2024-08-22. Review status: criteria provided, single submitter. Criteria: Invitae Variant Classification Sherloc (09022015). Collection method: clinical testing. Allele origin: germline.
Comment: This sequence change replaces leucine, which is neutral and non-polar, with proline, which is neutral and non-polar, at codon 106 of the TBC1D24 protein (p.Leu106Pro). This variant is not present in population databases (gnomAD no frequency). This variant has not been reported in the literature in individuals affected with TBC1D24-related conditions. Invitae Evidence Modeling of protein sequence and biophysical properties (such as structural, functional, and spatial information, amino acid conservation, physicochemical variation, residue mobility, and thermodynamic stability) indicates that this missense variant is expected to disrupt TBC1D24 protein function with a positive predictive value of 80%. In summary, the available evidence is currently insufficient to determine the role of this variant in disease. Therefore, it has been classified as a Variant of Uncertain Significance.

NM_001199107.2(TBC1D24):c.317T>C (p.Leu106Pro)

Gene: TBC1D24 (TBC1 domain family member 24; plus strand). Cytogenetic location: 16p13.3.
Variant type: single nucleotide variant.
Coding change: c.317T>C on transcript NM_001199107.2 (MANE Select); coding-DNA position 317, T replaced by C.
Protein change: p.Leu106Pro; replaces leucine 106 with proline.
Molecular consequence: missense variant.
Genome position (GRCh38, 1-based): chr16:2,496,465, T>C. VCF-style: chr16-2496465-T-C. GRCh37 (hg19) VCF-style: chr16-2546466-T-C.
Other names: c.317T>C, p.Leu106Pro (NM_020705.3); short protein forms L106P.
Identifiers: ClinVar variation 3757806 (VCV003757806.2).